The following is an entry in ClinVar:

NM_005709.4(USH1C):c.1217A>T (p.Gln406Leu)

Gene: USH1C (USH1 protein network component harmonin; minus strand). Cytogenetic location: 11p15.1.
Variant type: single nucleotide variant.
Coding change: c.1217A>T on transcript NM_005709.4 (MANE Plus Clinical); coding-DNA position 1217, A replaced by T.
Protein change: p.Gln406Leu; replaces glutamine 406 with leucine.
Molecular consequence: missense variant. On other transcripts: intron variant (1).
Genome position (GRCh38, 1-based): chr11:17,517,468, T>A on the plus strand (A>T on the coding strand, the complement: USH1C is on the minus strand). VCF-style: chr11-17517468-T-A. GRCh37 (hg19) VCF-style: chr11-17539015-T-A.
Other names: c.1217A>T (NM_005709.3); c.1160A>T, p.Gln387Leu (NM_001297764.2); c.1211-1178A>T (NM_153676.4); short protein forms Q387L, Q406L.
Identifiers: ClinVar variation 1370932 (VCV001370932.6), dbSNP rs758807447, ClinGen allele CA5904677.
Genomic context (GRCh38, chr11:17,517,468, plus strand): 5'-CCCTGCTCCTCCGTGCCTCCATCCAGGTCATCTGCGGGCTCGAGCTCAGGTTCCACTCCC[T>A]GATCATCTACCCAGGGAAAAGAGGAGGAAGCTGGTGAACCAAAAGGGACTTGGGAGCCCA-3'
Protein context (NP_005700.2, residues 396-416): PVPLRKPKYD[Gln406Leu]GVEPELEPAD

ClinVar aggregate classification (germline): Uncertain significance. Review status: criteria provided, multiple submitters, no conflicts (2 of 4 stars). 2 submissions from 2 submitters: Uncertain significance (2). Last evaluated 2025-11-30.

Conditions:
USH1C-related disorder. Also called: USH1C-related condition.

Allele frequency attached by ClinVar (database versions not stated): gnomAD exomes below 0.00001; TOPMed below 0.00001.
gnomAD v4.1: 6 of 1,592,356 alleles (0.00038%); highest among the groups gnomAD compares: Non-Finnish European, 0.00051%; no homozygotes.

Submissions (2):

PreventionGenetics, part of Exact Sciences
Classification: Uncertain significance for USH1C-related condition. Last evaluated: 2025-11-30. Review status: criteria provided, single submitter. Criteria: ACMG Guidelines, 2015. Collection method: clinical testing. Allele origin: germline.
Comment: The USH1C c.1217A>T variant is predicted to result in the amino acid substitution p.Gln406Leu. To our knowledge, this variant has not been reported in the literature. This variant is reported in 0.0011% of alleles in individuals of European (Non-Finnish) descent in gnomAD. At this time, the clinical significance of this variant is uncertain due to the absence of conclusive functional and genetic evidence.

Labcorp Genetics (formerly Invitae), Labcorp
Classification: Uncertain significance. Last evaluated: 2021-08-14. Review status: criteria provided, single submitter. Criteria: Invitae Variant Classification Sherloc (09022015). Collection method: clinical testing. Allele origin: germline.
Comment: This sequence change replaces glutamine with leucine at codon 406 of the USH1C protein (p.Gln406Leu). The glutamine residue is weakly conserved and there is a moderate physicochemical difference between glutamine and leucine. The frequency data for this variant in the population databases is considered unreliable, as metrics indicate poor data quality at this position in the ExAC database. This variant has not been reported in the literature in individuals affected with USH1C-related conditions. Algorithms developed to predict the effect of missense changes on protein structure and function (SIFT, PolyPhen-2, Align-GVGD) all suggest that this variant is likely to be tolerated. In summary, the available evidence is currently insufficient to determine the role of this variant in disease. Therefore, it has been classified as a Variant of Uncertain Significance.